The following is an entry in ClinVar:

ClinVar aggregate classification (germline): Pathogenic. Review status: criteria provided, multiple submitters, no conflicts (2 of 4 stars). 2 submissions from 2 submitters: Pathogenic (2). Last evaluated 2025-07-29.

Conditions:
Ataxia-telangiectasia syndrome (AT). Also called: Ataxia-telangiectasia, complementation group D; AT, COMPLEMENTATION GROUP C; ATAXIA-TELANGIECTASIA, COMPLEMENTATION GROUP A; ATAXIA-TELANGIECTASIA, FRESNO VARIANT; Ataxia-telangiectasia; Ataxia-telangiectasia, complementation group E. Identifiers: Orphanet 100, MedGen C0004135, MONDO:0008840, OMIM 208900.
Hereditary cancer-predisposing syndrome. Also called: Neoplastic Syndromes, Hereditary; Tumor predisposition; Hereditary Cancer Syndrome; Hereditary neoplastic syndrome. Identifiers: Orphanet 140162, MedGen C0027672, MeSH D009386, MONDO:0015356.

Submissions (2):

Labcorp Genetics (formerly Invitae), Labcorp
Classification: Pathogenic for Ataxia-telangiectasia syndrome. Last evaluated: 2025-07-29. Review status: criteria provided, single submitter. Criteria: Invitae Variant Classification Sherloc (09022015). Collection method: clinical testing. Allele origin: germline.
Comment: This sequence change creates a premature translational stop signal (p.Ser1924*) in the ATM gene. It is expected to result in an absent or disrupted protein product. Loss-of-function variants in ATM are known to be pathogenic (PMID: 23807571, 25614872). This variant is not present in population databases (gnomAD no frequency). This premature translational stop signal has been observed in individual(s) with ataxia-telangiectasia (PMID: 10817650). ClinVar contains an entry for this variant (Variation ID: 3721986). For these reasons, this variant has been classified as Pathogenic.

Ambry Genetics
Classification: Pathogenic for Hereditary cancer-predisposing syndrome. Last evaluated: 2025-06-16. Review status: criteria provided, single submitter. Criteria: Ambry Variant Classification Scheme 2023. Collection method: clinical testing. Allele origin: germline.
Comment: The c.5771delC pathogenic mutation, located in coding exon 38 of the ATM gene, results from a deletion of one nucleotide at nucleotide position 5771, causing a translational frameshift with a predicted alternate stop codon (p.S1924*). This variant is considered to be rare based on population cohorts in the Genome Aggregation Database (gnomAD). This alteration is expected to result in loss of function by premature protein truncation or nonsense-mediated mRNA decay. As such, this alteration is interpreted as a disease-causing mutation.

Literature cited by the submitters: PubMed 23807571 (cited by Labcorp Genetics (formerly Invitae), Labcorp); PubMed 25614872 (cited by Labcorp Genetics (formerly Invitae), Labcorp); PubMed 10817650 (cited by Labcorp Genetics (formerly Invitae), Labcorp).

NM_000051.4(ATM):c.5771del (p.Ser1923_Ser1924insTer)

Genes: ATM (ATM serine/threonine kinase; plus strand), C11orf65 (chromosome 11 open reading frame 65; minus strand). Cytogenetic location: 11q22.3.
Variant type: Deletion.
Coding change: c.5771del on transcript NM_000051.4 (MANE Select); coding-DNA position 5771, one base deleted (C; older notation c.5771delC).
Protein change: p.Ser1923_Ser1924insTer.
Molecular consequence: nonsense. On other transcripts: intron variant (2).
Genome position (GRCh38, 1-based): chr11:108,310,168, C deleted. VCF-style (leftmost placement, unchanged base first): chr11-108310167-TC-T. GRCh37 (hg19) VCF-style: chr11-108180894-TC-T.
Other names: c.5771del, p.Ser1923_Ser1924insTer (NM_001351834.2); c.641-1097del (NM_001330368.2); c.*39-1097del (NM_001351110.2).
Identifiers: ClinVar variation 3721986 (VCV003721986.3).